The following is an entry in ClinVar:

ClinVar aggregate classification (germline): Uncertain significance. Review status: criteria provided, multiple submitters, no conflicts (2 of 4 stars). 2 submissions from 2 submitters: Uncertain significance (2). Last evaluated 2023-08-20.

Conditions:
Noonan syndrome 9 (NS9). Identifiers: Orphanet 648, MedGen C4225282, MONDO:0014691, OMIM 616559.

Submissions (2):

Labcorp Genetics (formerly Invitae), Labcorp
Classification: Uncertain significance for Noonan syndrome 9. Last evaluated: 2023-08-20. Review status: criteria provided, single submitter. Criteria: Invitae Variant Classification Sherloc (09022015). Collection method: clinical testing. Allele origin: germline.
Comment: In summary, the available evidence is currently insufficient to determine the role of this variant in disease. Therefore, it has been classified as a Variant of Uncertain Significance. This variant has not been reported in the literature in individuals affected with SOS2-related conditions. This variant is not present in population databases (gnomAD no frequency). This sequence change creates a premature translational stop signal (p.Tyr8Cysfs*51) in the SOS2 gene. It is expected to result in an absent or disrupted protein product. However, the current clinical and genetic evidence is not sufficient to establish whether loss-of-function variants in SOS2 cause disease.

Institute of Human Genetics, Clinical Exome/Genome Diagnostics Group, University Hospital Bonn
Classification: Uncertain significance for Noonan syndrome 9. Last evaluated: 2022-01-18. Review status: criteria provided, single submitter. Criteria: ACMG Guidelines, 2015. Collection method: clinical testing. Allele origin: paternal.

NM_006939.4(SOS2):c.1_20dup (p.Tyr8fs)

Genes: SOS2 (SOS Ras/Rho guanine nucleotide exchange factor 2; minus strand), LOC130055588 (ATAC-STARR-seq lymphoblastoid silent region 5718; plus strand). Cytogenetic location: 14q21.3.
Variant type: Duplication.
Coding change: c.1_20dup on transcript NM_006939.4 (MANE Select); coding-DNA positions 1 to 20, 20 bases duplicated (ATGCAGCAGGCGCCGCAGCC).
Protein change: p.Tyr8fs; shifts the reading frame from tyrosine 8.
Molecular consequence: frameshift variant, initiator codon variant.
Genome position (GRCh38, 1-based): chr14:50,231,264-50,231,283, GGCTGCGGCGCCTGCTGCAT duplicated on the plus strand (ATGCAGCAGGCGCCGCAGCC on the coding strand, the reverse complement: SOS2 is on the minus strand); duplicating any 20 consecutive bases within chr14:50,231,264-50,231,286 gives the same sequence; the c. name uses the placement nearest the transcript's 3' end. VCF-style (leftmost placement, unchanged base first): chr14-50231263-A-AGGCTGCGGCGCCTGCTGCAT. GRCh37 (hg19) VCF-style: chr14-50697981-A-AGGCTGCGGCGCCTGCTGCAT.
Other names: c.1_20dup, p.Tyr8fs (NM_001411020.1); short protein forms Y8fs.
Identifiers: ClinVar variation 2824922 (VCV002824922.4), dbSNP rs2503347202, ClinGen allele CA2739278580.
Genomic context (GRCh38, chr14:50,231,263, plus strand): 5'-CAGGGCCGAGACCAACAGTCCCCGCCATTTCGGACTGTTCTCCTCGCTGAAGAACTCGTA[A>AGGCTGCGGCGCCTGCTGCAT]GGCTGCGGCGCCTGCTGCATGGCCCCGGCGACAGCGCCTCCGCATCGGGGGCAGCCCGCG-3'